The following is an entry in ClinVar:

ClinVar aggregate classification (germline): Uncertain significance (1 of 4 stars; one submission).

Conditions:
Muscular dystrophy-dystroglycanopathy (congenital with brain and eye anomalies), type A13. Also called: WALKER-WARBURG SYNDROME OR MUSCLE-EYE-BRAIN DISEASE, B3GNT1-RELATED; Muscular dystrophy-dystroglycanopathy (congenital with brain and eye anomalies), type a, 13. Identifiers: Orphanet 899, MedGen C3809042, MONDO:0014120, OMIM 615287.

Submission:

Labcorp Genetics (formerly Invitae), Labcorp
Classification: Uncertain significance for Muscular dystrophy-dystroglycanopathy (congenital with brain and eye anomalies), type A13. Last evaluated: 2022-03-01. Review status: criteria provided, single submitter. Criteria: Invitae Variant Classification Sherloc (09022015). Collection method: clinical testing. Allele origin: germline.
Comment: In summary, the available evidence is currently insufficient to determine the role of this variant in disease. Therefore, it has been classified as a Variant of Uncertain Significance. Algorithms developed to predict the effect of missense changes on protein structure and function (SIFT, PolyPhen-2, Align-GVGD) all suggest that this variant is likely to be tolerated. This variant has not been reported in the literature in individuals affected with B4GAT1-related conditions. This variant is not present in population databases (gnomAD no frequency). This sequence change replaces proline, which is neutral and non-polar, with serine, which is neutral and polar, at codon 195 of the B4GAT1 protein (p.Pro195Ser).

NM_006876.3(B4GAT1):c.583C>T (p.Pro195Ser)

Gene: B4GAT1 (beta-1,4-glucuronyltransferase 1; minus strand). Cytogenetic location: 11q13.2.
Variant type: single nucleotide variant.
Coding change: c.583C>T on transcript NM_006876.3 (MANE Select); coding-DNA position 583, C replaced by T.
Protein change: p.Pro195Ser; replaces proline 195 with serine.
Molecular consequence: missense variant.
Genome position (GRCh38, 1-based): chr11:66,346,963, G>A on the plus strand (C>T on the coding strand, the complement: B4GAT1 is on the minus strand). VCF-style: chr11-66346963-G-A. GRCh37 (hg19) VCF-style: chr11-66114434-G-A.
Other names: short protein forms P195S.
Identifiers: ClinVar variation 2104925 (VCV002104925.4), dbSNP rs1213307833, ClinGen allele CA381418089.